The following is an entry in ClinVar:

ClinVar aggregate classification (germline): Uncertain significance. Review status: criteria provided, multiple submitters, no conflicts (2 of 4 stars). 2 submissions from 2 submitters: Uncertain significance (2). Last evaluated 2025-10-21.

Conditions:
Idiopathic Pulmonary Fibrosis. Also called: Idiopathic fibrosing alveolitis, chronic form; idiopathic fibrosing alveolitis. Identifiers: Orphanet 2032, MedGen C1800706, MeSH D054990, MONDO:0800504.
Dyskeratosis congenita, autosomal dominant 2. Identifiers: MedGen C3151443, MONDO:0013521, OMIM 613989.

Allele frequency attached by ClinVar (database versions not stated): gnomAD exomes below 0.00001 and 0.00002; ExAC 0.00001; TOPMed 0.00001.
gnomAD v4.1: 23 of 1,614,220 alleles (0.0014%); highest among the groups gnomAD compares: Non-Finnish European, 0.0018%; no homozygotes.

Submissions (2):

Labcorp Genetics (formerly Invitae), Labcorp
Classification: Uncertain significance for Dyskeratosis congenita, autosomal dominant 2; Idiopathic Pulmonary Fibrosis. Last evaluated: 2025-10-21. Review status: criteria provided, single submitter. Criteria: Invitae Variant Classification Sherloc (09022015). Collection method: clinical testing. Allele origin: germline.
Comment: This sequence change replaces arginine, which is basic and polar, with cysteine, which is neutral and slightly polar, at codon 1034 of the TERT protein (p.Arg1034Cys). This variant is present in population databases (rs777672180, gnomAD 0.0009%). This missense change has been observed in individual(s) with familial pulmonary fibrosis (PMID: 29382801). ClinVar contains an entry for this variant (Variation ID: 436984). Invitae Evidence Modeling of protein sequence and biophysical properties (such as structural, functional, and spatial information, amino acid conservation, physicochemical variation, residue mobility, and thermodynamic stability) indicates that this missense variant is expected to disrupt TERT protein function with a positive predictive value of 95%. Experimental studies have shown that this missense change affects TERT function (PMID: 29382801). In summary, the available evidence is currently insufficient to determine the role of this variant in disease. Therefore, it has been classified as a Variant of Uncertain Significance.

Genetic Services Laboratory, University of Chicago
Classification: Uncertain significance. Last evaluated: 2017-01-13. Review status: criteria provided, single submitter. Criteria: ACMG Guidelines, 2015. Collection method: clinical testing. Allele origin: germline. Affected: no.

Literature cited by the submitters: PubMed 29382801 (cited by Labcorp Genetics (formerly Invitae), Labcorp).

NM_198253.3(TERT):c.3100C>T (p.Arg1034Cys)

Gene: TERT (telomerase reverse transcriptase; minus strand). Cytogenetic location: 5p15.33.
Variant type: single nucleotide variant.
Coding change: c.3100C>T on transcript NM_198253.3 (MANE Select); coding-DNA position 3100, C replaced by T.
Protein change: p.Arg1034Cys; replaces arginine 1034 with cysteine.
Molecular consequence: missense variant. On other transcripts: non-coding transcript variant (2).
Genome position (GRCh38, 1-based): chr5:1,255,344, G>A on the plus strand (C>T on the coding strand, the complement: TERT is on the minus strand). VCF-style: chr5-1255344-G-A. GRCh37 (hg19) VCF-style: chr5-1255459-G-A.
Other names: c.2911C>T, p.Arg971Cys (NM_001193376.3); short protein forms R1034C, R971C.
Identifiers: ClinVar variation 436984 (VCV000436984.14), dbSNP rs777672180, ClinGen allele CA3184288.